The following is an entry in ClinVar:

ClinVar aggregate classification (germline): Uncertain significance. Review status: criteria provided, multiple submitters, no conflicts (2 of 4 stars). 2 submissions from 2 submitters: Uncertain significance (2). Last evaluated 2024-12-11.

Allele frequency attached by ClinVar (database versions not stated): ExAC 0.00003; gnomAD exomes 0.00003 and 0.00009; TOPMed 0.00003; gnomAD 0.00004.
gnomAD v4.1: 130 of 1,613,722 alleles (0.0081%); highest among the groups gnomAD compares: Non-Finnish European, 0.011%; no homozygotes.

Submissions (2):

Ambry Genetics
Classification: Uncertain significance. Last evaluated: 2024-12-11. Review status: criteria provided, single submitter. Criteria: Ambry Variant Classification Scheme 2023. Collection method: clinical testing. Allele origin: germline.

Labcorp Genetics (formerly Invitae), Labcorp
Classification: Uncertain significance. Last evaluated: 2024-10-29. Review status: criteria provided, single submitter. Criteria: Invitae Variant Classification Sherloc (09022015). Collection method: clinical testing. Allele origin: germline.
Comment: This sequence change replaces serine, which is neutral and polar, with phenylalanine, which is neutral and non-polar, at codon 148 of the RIMS1 protein (p.Ser148Phe). This variant is present in population databases (rs746654049, gnomAD 0.007%). This missense change has been observed in individual(s) with retinitis pigmentosa (internal data). ClinVar contains an entry for this variant (Variation ID: 955364). An algorithm developed to predict the effect of missense changes on protein structure and function (PolyPhen-2) suggests that this variant is likely to be disruptive. In summary, the available evidence is currently insufficient to determine the role of this variant in disease. Therefore, it has been classified as a Variant of Uncertain Significance.

NM_014989.7(RIMS1):c.443C>T (p.Ser148Phe)

Gene: RIMS1 (regulating synaptic membrane exocytosis 1; plus strand). Cytogenetic location: 6q13.
Variant type: single nucleotide variant.
Coding change: c.443C>T on transcript NM_014989.7 (MANE Select); coding-DNA position 443, C replaced by T.
Protein change: p.Ser148Phe; replaces serine 148 with phenylalanine.
Molecular consequence: missense variant.
Genome position (GRCh38, 1-based): chr6:72,097,146, C>T. VCF-style: chr6-72097146-C-T. GRCh37 (hg19) VCF-style: chr6-72806849-C-T.
Other names: c.440C>T, p.Ser147Phe (NM_001350411.1); c.362C>T, p.Ser121Phe (NM_001350412.1); c.443C>T, p.Ser148Phe (NM_001350413.1); c.443C>T (NM_014989.4); short protein forms S121F, S148F, S147F.
Identifiers: ClinVar variation 955364 (VCV000955364.9), dbSNP rs746654049, ClinGen allele CA3885481.